The following is an entry in ClinVar:

NM_003073.5(SMARCB1):c.338G>A (p.Ser113Asn)

Gene: SMARCB1 (SWI/SNF related BAF chromatin remodeling complex subunit B1; plus strand). Cytogenetic location: 22q11.23.
Variant type: single nucleotide variant.
Coding change: c.338G>A on transcript NM_003073.5 (MANE Select); coding-DNA position 338, G replaced by A.
Protein change: p.Ser113Asn; replaces serine 113 with asparagine.
Molecular consequence: missense variant.
Genome position (GRCh38, 1-based): chr22:23,793,664, G>A. VCF-style: chr22-23793664-G-A. GRCh37 (hg19) VCF-style: chr22-24135851-G-A.
Other names: c.311G>A, p.Ser104Asn (NM_001007468.3, NM_001317946.2); c.338G>A, p.Ser113Asn (NM_001362877.2); short protein forms S104N, S113N.
Identifiers: ClinVar variation 3446080 (VCV003446080.1).

ClinVar aggregate classification (germline): Uncertain significance (1 of 4 stars; one submission).

Conditions:
Hereditary cancer-predisposing syndrome. Also called: Tumor predisposition; Neoplastic Syndromes, Hereditary; Hereditary neoplastic syndrome; Hereditary Cancer Syndrome. Identifiers: Orphanet 140162, MedGen C0027672, MeSH D009386, MONDO:0015356.

Submission:

Ambry Genetics
Classification: Uncertain significance for Hereditary cancer-predisposing syndrome. Last evaluated: 2024-08-18. Review status: criteria provided, single submitter. Criteria: Ambry Variant Classification Scheme 2023. Collection method: clinical testing. Allele origin: germline.
Comment: The p.S113N variant (also known as c.338G>A), located in coding exon 3 of the SMARCB1 gene, results from a G to A substitution at nucleotide position 338. The serine at codon 113 is replaced by asparagine, an amino acid with highly similar properties. This amino acid position is conserved. In addition, the in silico prediction for this alteration is inconclusive. Based on the available evidence, the clinical significance of this variant remains unclear.